The following is an entry in ClinVar:

ClinVar aggregate classification (germline): Benign/Likely benign. Review status: criteria provided, multiple submitters, no conflicts (2 of 4 stars). 9 submissions from 9 submitters: Benign (5); Likely benign (2). 2 of the submissions do not count toward it. Last evaluated 2026-02-02.

Conditions:
Usher syndrome type 2C. Also called: Usher syndrome, type 2B; USHER SYNDROME, TYPE IIC. Identifiers: Orphanet 231178, Orphanet 886, MedGen C2931213, MONDO:0011558, OMIM 605472.

Allele frequency attached by ClinVar (database versions not stated): gnomAD exomes 0.00592 and 0.00331; gnomAD 0.00612 and 0.00580; ExAC 0.00620; ESP Exome Variant Server 0.00639; 1000 Genomes Project 30x 0.01093; 1000 Genomes Project 0.01158; TOPMed 0.00588.
gnomAD v4.1: 5,843 of 1,602,940 alleles (0.36%); highest among the groups gnomAD compares: Middle Eastern, 3.2%; 63 homozygotes.

Submissions (9):

Labcorp Genetics (formerly Invitae), Labcorp
Classification: Benign. Last evaluated: 2026-02-02. Review status: criteria provided, single submitter. Criteria: Invitae Variant Classification Sherloc (09022015). Collection method: clinical testing. Allele origin: germline.

ARUP Laboratories, Molecular Genetics and Genomics, ARUP Laboratories
Classification: Benign. Last evaluated: 2023-09-06. Review status: criteria provided, single submitter. Criteria: ARUP Molecular Germline Variant Investigation Process 2024. Collection method: clinical testing. Allele origin: germline.

Illumina Laboratory Services, Illumina
Classification: Likely benign for Usher syndrome type 2C. Last evaluated: 2018-01-12. Review status: criteria provided, single submitter. Criteria: ICSL Variant Classification Criteria 13 December 2019. Collection method: clinical testing. Allele origin: germline.
Comment: This variant was observed in the ICSL laboratory as part of a predisposition screen in an ostensibly healthy population. It had not been previously curated by ICSL or reported in the Human Gene Mutation Database (HGMD: prior to June 1st, 2018), and was therefore a candidate for classification through an automated scoring system. Utilizing variant allele frequency, disease prevalence and penetrance estimates, and inheritance mode, an automated score was calculated to assess if this variant is too frequent to cause the disease. Based on the score and internal cut-off values, a variant classified as likely benign is not then subjected to further curation. The score for this variant resulted in a classification of likely benign for this disease.

Eurofins Ntd Llc (ga)
Classification: Benign. Last evaluated: 2017-06-13. Review status: criteria provided, single submitter. Criteria: EGL Classification Definitions 2015. Collection method: clinical testing. Allele origin: germline. Observed: 1 variant allele, 1 heterozygote.

GeneDx
Classification: Benign. Last evaluated: 2013-04-30. Review status: criteria provided, single submitter. Criteria: GeneDx Variant Classification (06012015). Collection method: clinical testing. Allele origin: germline. Affected: yes.
Comment: This variant is considered likely benign or benign based on one or more of the following criteria: it is a conservative change, it occurs at a poorly conserved position in the protein, it is predicted to be benign by multiple in silico algorithms, and/or has population frequency not consistent with disease.

Laboratory for Molecular Medicine, Mass General Brigham Personalized Medicine
Classification: Benign. Last evaluated: 2012-04-30. Review status: criteria provided, single submitter. Criteria: LMM Criteria. Collection method: clinical testing. Allele origin: germline. Observed: 20 variant alleles.
Comment: 2553+11T>A in Intron 13 of GPR98: This variant is not expected to have clinical significance because it is not located within the conserved splice consensus seq uence and has been identified in 1.5% (43/2906) of African American chromosomes from a broad population by the NHLBI Exome Sequencing Project (dbSNP rs73181640).

Breakthrough Genomics
Classification: Likely benign. Review status: criteria provided, single submitter. Criteria: ACMG Guidelines, 2015. Collection method: not provided. Allele origin: germline. Inheritance: Autosomal recessive inheritance. Affected: yes.

Diagnostic Laboratory, Department of Genetics, University Medical Center Groningen
Classification: Benign. Review status: no assertion criteria provided. Collection method: clinical testing. Allele origin: germline. Affected: yes. Study: VKGL Data-share Consensus. Not counted in ClinVar's aggregate classification.

Genome Diagnostics Laboratory, University Medical Center Utrecht
Classification: Likely benign. Review status: no assertion criteria provided. Collection method: clinical testing. Allele origin: germline. Affected: yes. Study: VKGL Data-share Consensus. Not counted in ClinVar's aggregate classification.

NM_032119.4(ADGRV1):c.2553+11T>A

Gene: ADGRV1 (adhesion G protein-coupled receptor V1; plus strand). Cytogenetic location: 5q14.3.
Variant type: single nucleotide variant.
Coding change: c.2553+11T>A on transcript NM_032119.4 (MANE Select); 11 bases into the intron after coding-DNA position 2553, T replaced by A.
Molecular consequence: intron variant.
Genome position (GRCh38, 1-based): chr5:90,643,052, T>A. VCF-style: chr5-90643052-T-A. GRCh37 (hg19) VCF-style: chr5-89938869-T-A.
Identifiers: ClinVar variation 46307 (VCV000046307.26), dbSNP rs73181640, ClinGen allele CA138092.